The following is an entry in ClinVar:

NM_020533.3(MCOLN1):c.1111_1112delinsTACAACGACAAG (p.Met371fs)

Gene: MCOLN1 (mucolipin TRP cation channel 1; plus strand). Cytogenetic location: 19p13.2.
Variant type: Indel.
Coding change: c.1111_1112delinsTACAACGACAAG on transcript NM_020533.3 (MANE Select); coding-DNA positions 1111 to 1112, AT replaced by TACAACGACAAG.
Protein change: p.Met371fs; shifts the reading frame from methionine 371.
Molecular consequence: frameshift variant.
Genome position (GRCh38, 1-based): chr19:7,528,947-7,528,948, AT replaced by TACAACGACAAG. VCF-style: chr19-7528947-AT-TACAACGACAAG. GRCh37 (hg19) VCF-style: chr19-7593833-AT-TACAACGACAAG.
Other names: short protein forms M371fs.
Identifiers: ClinVar variation 5015826 (VCV005015826.1).

ClinVar aggregate classification (germline): Pathogenic (1 of 4 stars; one submission).

Conditions:
Mucolipidosis type IV (ML4). Also called: ML IV. Identifiers: Orphanet 578, MedGen C0238286, MONDO:0009653, OMIM 252650.

Submission:

Myriad Genetics, Inc.
Classification: Pathogenic for Mucolipidosis type IV. Last evaluated: 2026-04-24. Review status: criteria provided, single submitter. Criteria: Myriad Autosomal Dominant, Autosomal Recessive and X-Linked Classification Criteria (2023). Collection method: clinical testing. Allele origin: unknown.
Comment: NM_020533.2(MCOLN1):c.1111_1112del2ins12(M371Yfs*95) is expected to be pathogenic in the context of mucolipidosis IV. This variant is predicted to lead to an abnormal or absent protein product due to the creation of a premature termination codon in MCOLN1, a gene where loss-of-function variants are known to be pathogenic. Please note: this variant was assessed in the context of healthy population screening.